The following is an entry in ClinVar:

NM_000393.5(COL5A2):c.3151C>T (p.Pro1051Ser)

Gene: COL5A2 (collagen type V alpha 2 chain; minus strand). Cytogenetic location: 2q32.2.
Variant type: single nucleotide variant.
Coding change: c.3151C>T on transcript NM_000393.5 (MANE Select); coding-DNA position 3151, C replaced by T.
Protein change: p.Pro1051Ser; replaces proline 1051 with serine.
Molecular consequence: missense variant.
Genome position (GRCh38, 1-based): chr2:189,048,259, G>A on the plus strand (C>T on the coding strand, the complement: COL5A2 is on the minus strand). VCF-style: chr2-189048259-G-A. GRCh37 (hg19) VCF-style: chr2-189912985-G-A.
Other names: short protein forms P1051S.
Identifiers: ClinVar variation 1411212 (VCV001411212.8), dbSNP rs2153507740, ClinGen allele CA349864727.

ClinVar aggregate classification (germline): Uncertain significance (1 of 4 stars; one submission).

Conditions:
Ehlers-Danlos syndrome, classic type, 1 (EDSCL1). Also called: EHLERS-DANLOS SYNDROME, GRAVIS TYPE; EHLERS-DANLOS SYNDROME, SEVERE CLASSIC TYPE; Ehlers-Danlos syndrome, type 1; Ehlers-Danlos Syndrome, Classic Type, COL5A1-Related; EDS I. Identifiers: MedGen C0268335, MONDO:0019567, OMIM 130000.

Submission:

Labcorp Genetics (formerly Invitae), Labcorp
Classification: Uncertain significance for Ehlers-Danlos syndrome, classic type, 1. Last evaluated: 2021-02-21. Review status: criteria provided, single submitter. Criteria: Invitae Variant Classification Sherloc (09022015). Collection method: clinical testing. Allele origin: germline.
Comment: In summary, the available evidence is currently insufficient to determine the role of this variant in disease. Therefore, it has been classified as a Variant of Uncertain Significance. Advanced modeling of protein sequence and biophysical properties (such as structural, functional, and spatial information, amino acid conservation, physicochemical variation, residue mobility, and thermodynamic stability) performed at Invitae indicates that this missense variant is not expected to disrupt COL5A2 protein function. This variant has not been reported in the literature in individuals with COL5A2-related conditions. This variant is not present in population databases (ExAC no frequency). This sequence change replaces proline with serine at codon 1051 of the COL5A2 protein (p.Pro1051Ser). The proline residue is highly conserved and there is a moderate physicochemical difference between proline and serine.